The following is an entry in ClinVar:

ClinVar aggregate classification (germline): Conflicting classifications of pathogenicity. Review status: criteria provided, conflicting classifications (1 of 4 stars). 9 submissions from 9 submitters: Uncertain significance (2); Likely benign (6). 1 of the submissions does not count toward it. Last evaluated 2026-06-15.

Conditions:
HERC1-related disorder. Also called: HERC1-related condition.
Macrocephaly, dysmorphic facies, and psychomotor retardation (MDFPMR). Identifiers: Orphanet 457359, MedGen C4310766, MONDO:0014863, OMIM 617011.
Inborn genetic diseases. Identifiers: MedGen C0950123, MeSH D030342.

Allele frequency attached by ClinVar (database versions not stated): 1000 Genomes Project 0.00040; 1000 Genomes Project 30x 0.00062; gnomAD exomes 0.00205 and 0.00300; ExAC 0.00210; gnomAD 0.00211 and 0.00219; TOPMed 0.00218; ESP Exome Variant Server 0.00221.
gnomAD v4.1: 4,677 of 1,613,808 alleles (0.29%); highest among the groups gnomAD compares: Middle Eastern, 0.53%; 7 homozygotes.

Submissions (9):

Women's Health and Genetics/Laboratory Corporation of America, LabCorp
Classification: Likely benign. Last evaluated: 2026-06-15. Review status: criteria provided, single submitter. Criteria: LabCorp Variant Classification Summary - May 2015. Collection method: clinical testing. Allele origin: germline.
Comment: Variant summary: HERC1 c.3374G>A (p.Gly1125Asp) results in a non-conservative amino acid change in the encoded protein sequence. Algorithms developed to predict the effect of missense changes on protein structure and function are either unavailable or do not agree on the potential impact of this missense change. The variant allele was found at a frequency of 0.002 in 248816 control chromosomes, predominantly at a frequency of 0.0029 within the Non-Finnish European subpopulation in the gnomAD database. The observed variant frequency within Non-Finnish European control individuals in the gnomAD database exceeds the estimated maximal expected allele frequency for disease-causing variants in HERC1. c.3374G>A has been observed in individuals affected with schizophrenia (Mojarad_2021). This report does not provide unequivocal conclusions about association of the variant with disease. To our knowledge, no experimental evidence demonstrating an impact on protein function has been reported. The following publication has been ascertained in the context of this evaluation (PMID: 33526774). ClinVar contains an entry for this variant (Variation ID: 377238). Based on the evidence outlined above, the variant was classified as likely benign.

CeGaT Center for Human Genetics Tuebingen
Classification: Likely benign. Last evaluated: 2026-06-01. Review status: criteria provided, single submitter. Criteria: CeGaT Center For Human Genetics Tuebingen Variant Classification Criteria Version 2. Collection method: clinical testing. Allele origin: germline. Affected: yes. Observed: 5 variant alleles.
Comment: HERC1: BS1

Labcorp Genetics (formerly Invitae), Labcorp
Classification: Likely benign. Last evaluated: 2026-01-26. Review status: criteria provided, single submitter. Criteria: Invitae Variant Classification Sherloc (09022015). Collection method: clinical testing. Allele origin: germline.

Blueprint Genetics
Classification: Likely benign. Last evaluated: 2024-11-26. Review status: criteria provided, single submitter. Criteria: ACMG Guidelines, 2015. Collection method: clinical testing. Allele origin: germline.

Ambry Genetics
Classification: Likely benign for Inborn genetic diseases. Last evaluated: 2021-07-14. Review status: criteria provided, single submitter. Criteria: Ambry Variant Classification Scheme 2023. Collection method: clinical testing. Allele origin: germline.

GeneDx
Classification: Likely benign. Last evaluated: 2020-12-08. Review status: criteria provided, single submitter. Criteria: GeneDx Variant Classification Process June 2021. Collection method: clinical testing. Allele origin: germline. Affected: yes.

Center for Pediatric Genomic Medicine, Children's Mercy Hospital and Clinics
Classification: Uncertain significance. Last evaluated: 2016-10-12. Review status: criteria provided, single submitter. Criteria: ACMG Guidelines, 2015. Collection method: clinical testing. Allele origin: germline.
ClinVar note: Converted during submission from Uncertain Significance to Uncertain significance.

Mayo Clinic Laboratories, Mayo Clinic
Classification: Uncertain significance for Macrocephaly, dysmorphic facies, and psychomotor retardation. Last evaluated: 2016-09-12. Review status: criteria provided, single submitter. Criteria: ACMG Guidelines, 2015. Collection method: clinical testing. Allele origin: maternal.

PreventionGenetics, part of Exact Sciences
Classification: Likely benign for HERC1-related condition. Last evaluated: 2021-02-23. Review status: no assertion criteria provided. Collection method: clinical testing. Allele origin: germline. Not counted in ClinVar's aggregate classification.
Comment: This variant is classified as likely benign based on ACMG/AMP sequence variant interpretation guidelines (Richards et al. 2015 PMID: 25741868, with internal and published modifications).

Literature cited by the submitters: PubMed 33526774 (cited by Women's Health and Genetics/Laboratory Corporation of America, LabCorp).

NM_003922.4(HERC1):c.3374G>A (p.Gly1125Asp)

Gene: HERC1 (HECT and RLD domain containing E3 ubiquitin protein ligase family member 1; minus strand). Cytogenetic location: 15q22.31.
Variant type: single nucleotide variant.
Coding change: c.3374G>A on transcript NM_003922.4 (MANE Select); coding-DNA position 3374, G replaced by A.
Protein change: p.Gly1125Asp; replaces glycine 1125 with aspartic acid.
Molecular consequence: missense variant.
Genome position (GRCh38, 1-based): chr15:63,725,486, C>T on the plus strand (G>A on the coding strand, the complement: HERC1 is on the minus strand). VCF-style: chr15-63725486-C-T. GRCh37 (hg19) VCF-style: chr15-64017685-C-T.
Other names: short protein forms G1125D.
Identifiers: ClinVar variation 377238 (VCV000377238.44), dbSNP rs80203202, ClinGen allele CA7606059.